The following is an entry in ClinVar:

NM_182961.4(SYNE1):c.2630A>G (p.Gln877Arg)

Gene: SYNE1 (spectrin repeat containing nuclear envelope protein 1; minus strand). Cytogenetic location: 6q25.2.
Variant type: single nucleotide variant.
Coding change: c.2630A>G on transcript NM_182961.4 (MANE Select); coding-DNA position 2630, A replaced by G.
Protein change: p.Gln877Arg; replaces glutamine 877 with arginine.
Molecular consequence: missense variant.
Genome position (GRCh38, 1-based): chr6:152,455,983, T>C on the plus strand (A>G on the coding strand, the complement: SYNE1 is on the minus strand). VCF-style: chr6-152455983-T-C. GRCh37 (hg19) VCF-style: chr6-152777118-T-C.
Other names: c.2651A>G, p.Gln884Arg (NM_033071.5); short protein forms Q877R, Q884R.
Identifiers: ClinVar variation 285065 (VCV000285065.23), dbSNP rs369192821, ClinGen allele CA4059076.

ClinVar aggregate classification (germline): Conflicting classifications of pathogenicity. Review status: criteria provided, conflicting classifications (1 of 4 stars). 7 submissions from 6 submitters: Uncertain significance (5); Benign (1); Likely benign (1). Last evaluated 2025-12-08.

Conditions:
Emery-Dreifuss muscular dystrophy 4, autosomal dominant (EDMD4). Also called: EMERY-DREIFUSS MUSCULAR DYSTROPHY 4 WITH VARIABLE FEATURES. Identifiers: Orphanet 261, MedGen C2751807, MONDO:0013071, OMIM 612998.
Autosomal recessive ataxia, Beauce type. Also called: SYNE1 Deficiency; SYNE1-Related Autosomal Recessive Cerebellar Ataxia; ATAXIA, RECESSIVE, OF BEAUCE; Spinocerebellar ataxia, autosomal recessive 8. Identifiers: Orphanet 88644, MedGen C1853116, MONDO:0012549, OMIM 610743.

Allele frequency attached by ClinVar (database versions not stated): gnomAD 0.00007; gnomAD exomes 0.00009 and 0.00011; TOPMed 0.00009; ExAC 0.00012; ESP Exome Variant Server 0.00015.
gnomAD v4.1: 143 of 1,614,012 alleles (0.0089%); highest among the groups gnomAD compares: Non-Finnish European, 0.011%; no homozygotes.

Submissions (7):

Labcorp Genetics (formerly Invitae), Labcorp
Classification: Uncertain significance for Emery-Dreifuss muscular dystrophy 4, autosomal dominant; Autosomal recessive ataxia, Beauce type. Last evaluated: 2025-12-08. Review status: criteria provided, single submitter. Criteria: Invitae Variant Classification Sherloc (09022015). Collection method: clinical testing. Allele origin: germline.
Comment: This sequence change replaces glutamine, which is neutral and polar, with arginine, which is basic and polar, at codon 884 of the SYNE1 protein (p.Gln884Arg). This variant is present in population databases (rs369192821, gnomAD 0.02%). This variant has not been reported in the literature in individuals affected with SYNE1-related conditions. ClinVar contains an entry for this variant (Variation ID: 285065). An algorithm developed to predict the effect of missense changes on protein structure and function (PolyPhen-2) suggests that this variant is likely to be disruptive. In summary, the available evidence is currently insufficient to determine the role of this variant in disease. Therefore, it has been classified as a Variant of Uncertain Significance.

CeGaT Center for Human Genetics Tuebingen
Classification: Likely benign. Last evaluated: 2025-08-01. Review status: criteria provided, single submitter. Criteria: CeGaT Center For Human Genetics Tuebingen Variant Classification Criteria Version 2. Collection method: clinical testing. Allele origin: germline. Affected: yes. Observed: 1 variant allele.
Comment: SYNE1: BP4

Revvity Omics, Revvity
Classification: Uncertain significance. Last evaluated: 2023-09-27. Review status: criteria provided, single submitter. Criteria: ACMG Guidelines, 2015. Collection method: clinical testing. Allele origin: germline.

GeneDx
Classification: Uncertain significance. Last evaluated: 2022-05-16. Review status: criteria provided, single submitter. Criteria: GeneDx Variant Classification Process June 2021. Collection method: clinical testing. Allele origin: germline. Affected: yes.
Comment: In silico analysis supports that this missense variant does not alter protein structure/function; Has not been previously published as pathogenic or benign to our knowledge

Illumina Laboratory Services, Illumina
Classification: Uncertain significance for Autosomal recessive ataxia, Beauce type. Last evaluated: 2018-01-12. Review status: criteria provided, single submitter. Criteria: ICSL Variant Classification Criteria 13 December 2019. Collection method: clinical testing. Allele origin: germline.

Illumina Laboratory Services, Illumina
Classification: Benign for Emery-Dreifuss muscular dystrophy 4, autosomal dominant. Last evaluated: 2018-01-12. Review status: criteria provided, single submitter. Criteria: ICSL Variant Classification Criteria 13 December 2019. Collection method: clinical testing. Allele origin: germline.
Comment: This variant was observed in the ICSL laboratory as part of a predisposition screen in an ostensibly healthy population. It had not been previously curated by ICSL or reported in the Human Gene Mutation Database (HGMD: prior to June 1st, 2018), and was therefore a candidate for classification through an automated scoring system. Utilizing variant allele frequency, disease prevalence and penetrance estimates, and inheritance mode, an automated score was calculated to assess if this variant is too frequent to cause the disease. Based on the score and internal cut-off values, a variant classified as benign is not then subjected to further curation. The score for this variant resulted in a classification of benign for this disease.

Eurofins Ntd Llc (ga)
Classification: Uncertain significance. Last evaluated: 2017-03-28. Review status: criteria provided, single submitter. Criteria: EGL Classification Definitions 2015. Collection method: clinical testing. Allele origin: germline. Observed: 4 variant alleles, 4 heterozygotes.